The following is an entry in ClinVar:

ClinVar aggregate classification (germline): Benign (0 of 4 stars; one submission).

Conditions:
MEN1-related disorder. Also called: MEN1-related condition.

Allele frequency attached by ClinVar (database versions not stated): gnomAD exomes 0.01869.

Submission:

PreventionGenetics, part of Exact Sciences
Classification: Benign for MEN1-related condition. Last evaluated: 2019-08-06. Review status: no assertion criteria provided. Collection method: clinical testing. Allele origin: germline.
Comment: This variant is classified as benign based on ACMG/AMP sequence variant interpretation guidelines (Richards et al. 2015 PMID: 25741868, with internal and published modifications).

NM_001370259.2(MEN1):c.-23-14G>C

Gene: MEN1 (menin 1; minus strand). Cytogenetic location: 11q13.1.
Variant type: single nucleotide variant.
Coding change: c.-23-14G>C on transcript NM_001370259.2 (MANE Select); 14 bases into the intron before 23 bases upstream of the start codon, G replaced by C.
Molecular consequence: intron variant.
Genome position (GRCh38, 1-based): chr11:64,810,146, C>G on the plus strand (G>C on the coding strand, the complement: MEN1 is on the minus strand). VCF-style: chr11-64810146-C-G. GRCh37 (hg19) VCF-style: chr11-64577618-C-G.
Other names: c.-23-14G>C (NM_000244.3, NM_130804.3, NM_130803.3 and 10 more transcripts).
Identifiers: ClinVar variation 305316 (VCV000305316.8), dbSNP rs886048479, ClinGen allele CA10631172.